The following is an entry in ClinVar:

ClinVar aggregate classification (germline): other (0 of 4 stars; one submission).

Conditions:
Malignant tumor of urinary bladder. Also called: Urinary bladder cancer; Urinary Bladder Neoplasms; Bladder cancer. Identifiers: MedGen C0005684, MONDO:0001187, OMIM 109800.

Allele frequency attached by ClinVar (database versions not stated): ExAC 0.00014; gnomAD 0.00014 and 0.00015; TOPMed 0.00014; ESP Exome Variant Server 0.00015; gnomAD exomes 0.00018 and 0.00026; 1000 Genomes Project 0.00040; 1000 Genomes Project 30x 0.00062.
gnomAD v4.1: 408 of 1,596,896 alleles (0.026%); highest among the groups gnomAD compares: Middle Eastern, 0.045%; no homozygotes.

Submission:

Gray Institute for Radiation Oncology & Biology, University of Oxford
Classification: other. Review status: no assertion criteria provided. Collection method: not provided. Allele origin: germline.
Comment: Detected by next-generation sequencing & confirmed by Sanger sequencing

NM_005591.4(MRE11):c.1225+40T>C

Gene: MRE11 (MRE11 double strand break repair nuclease; minus strand). Cytogenetic location: 11q21.
Variant type: single nucleotide variant.
Coding change: c.1225+40T>C on transcript NM_005591.4 (MANE Select); 40 bases into the intron after coding-DNA position 1225, T replaced by C.
Molecular consequence: intron variant.
Genome position (GRCh38, 1-based): chr11:94,464,073, A>G on the plus strand (T>C on the coding strand, the complement: MRE11 is on the minus strand). VCF-style: chr11-94464073-A-G. GRCh37 (hg19) VCF-style: chr11-94197239-A-G.
Other names: c.1225+40T>C (NM_001330347.2, NM_005590.4).
Identifiers: ClinVar variation 60650 (VCV000060650.1), dbSNP rs192979170, ClinGen allele CA144591.